The following is an entry in ClinVar:

NM_015459.5(ATL3):c.1189C>A (p.His397Asn)

Genes: ATL3 (atlastin GTPase 3; minus strand), LNCROPM (lncRNA regulator of PLAAT3 mediated phospholipid metabolism; plus strand), LOC126861231 (CDK7 strongly-dependent group 2 enhancer GRCh37_chr11:63398741-63399940; plus strand). Cytogenetic location: 11q13.1.
Variant type: single nucleotide variant.
Coding change: c.1189C>A on transcript NM_015459.5 (MANE Select); coding-DNA position 1189, C replaced by A.
Protein change: p.His397Asn; replaces histidine 397 with asparagine.
Molecular consequence: missense variant.
Genome position (GRCh38, 1-based): chr11:63,631,390, G>T on the plus strand (C>A on the coding strand, the complement: ATL3 is on the minus strand). VCF-style: chr11-63631390-G-T. GRCh37 (hg19) VCF-style: chr11-63398862-G-T.
Other names: c.1135C>A, p.His379Asn (NM_001290048.2); c.1138C>A, p.His380Asn (NM_001440716.1); c.1132C>A, p.His378Asn (NM_001440717.1); c.1117C>A, p.His373Asn (NM_001440718.1); c.1084C>A, p.His362Asn (NM_001440719.1); c.1078C>A, p.His360Asn (NM_001440720.1); c.1033C>A, p.His345Asn (NM_001440721.1); c.976C>A, p.His326Asn (NM_001440722.1); short protein forms H362N, H373N, H345N, H326N, H380N, H360N, H378N, H379N.
Identifiers: ClinVar variation 4742598 (VCV004742598.1).

ClinVar aggregate classification (germline): Uncertain significance (1 of 4 stars; one submission).

Conditions:
Neuropathy, hereditary sensory, type 1F. Also called: Hereditary sensory neuropathy type IF; HSN IF. Identifiers: Orphanet 36386, MedGen C3810194, MONDO:0014286, OMIM 615632.

Submission:

Labcorp Genetics (formerly Invitae), Labcorp
Classification: Uncertain significance for Neuropathy, hereditary sensory, type 1F. Last evaluated: 2025-03-30. Review status: criteria provided, single submitter. Criteria: Invitae Variant Classification Sherloc (09022015). Collection method: clinical testing. Allele origin: germline.
Comment: This sequence change replaces histidine, which is basic and polar, with asparagine, which is neutral and polar, at codon 397 of the ATL3 protein (p.His397Asn). This variant is not present in population databases (gnomAD no frequency). This variant has not been reported in the literature in individuals affected with ATL3-related conditions. Invitae Evidence Modeling of protein sequence and biophysical properties (such as structural, functional, and spatial information, amino acid conservation, physicochemical variation, residue mobility, and thermodynamic stability) indicates that this missense variant is not expected to disrupt ATL3 protein function with a negative predictive value of 80%. In summary, the available evidence is currently insufficient to determine the role of this variant in disease. Therefore, it has been classified as a Variant of Uncertain Significance.